The following is an entry in ClinVar:

ClinVar aggregate classification (germline): Uncertain significance (1 of 4 stars; one submission).

gnomAD v4.1: 1 of 1,612,612 alleles (0.000062%); no homozygotes.

Submission:

GeneDx
Classification: Uncertain significance. Last evaluated: 2024-01-19. Review status: criteria provided, single submitter. Criteria: GeneDx Variant Classification Process June 2021. Collection method: clinical testing. Allele origin: germline. Affected: yes.
Comment: Not observed at significant frequency in large population cohorts (gnomAD); In silico analysis supports that this missense variant does not alter protein structure/function; Has not been previously published as pathogenic or benign to our knowledge

NM_015570.4(AUTS2):c.2973C>A (p.Asp991Glu)

Gene: AUTS2 (activator of transcription and developmental regulator AUTS2; plus strand). Cytogenetic location: 7q11.22.
Variant type: single nucleotide variant.
Coding change: c.2973C>A on transcript NM_015570.4 (MANE Select); coding-DNA position 2973, C replaced by A.
Protein change: p.Asp991Glu; replaces aspartic acid 991 with glutamic acid.
Molecular consequence: missense variant.
Genome position (GRCh38, 1-based): chr7:70,790,189, C>A. VCF-style: chr7-70790189-C-A. GRCh37 (hg19) VCF-style: chr7-70255175-C-A.
Other names: c.2901C>A, p.Asp967Glu (NM_001127231.3); short protein forms D967E, D991E.
Identifiers: ClinVar variation 2505866 (VCV002505866.2), dbSNP rs1401664246, ClinGen allele CA367665217.